The following is an entry in ClinVar:

NM_000051.4(ATM):c.2328G>C (p.Leu776Phe)

Gene: ATM (ATM serine/threonine kinase; plus strand). Cytogenetic location: 11q22.3.
Variant type: single nucleotide variant.
Coding change: c.2328G>C on transcript NM_000051.4 (MANE Select); coding-DNA position 2328, G replaced by C.
Protein change: p.Leu776Phe; replaces leucine 776 with phenylalanine.
Molecular consequence: missense variant.
Genome position (GRCh38, 1-based): chr11:108,257,558, G>C. VCF-style: chr11-108257558-G-C. GRCh37 (hg19) VCF-style: chr11-108128285-G-C.
Other names: c.2328G>C, p.Leu776Phe (NM_001351834.2); short protein forms L776F.
Identifiers: ClinVar variation 3647261 (VCV003647261.2).
Genomic context (GRCh38, chr11:108,257,558, plus strand): 5'-AGGAGAAAGTATCACTCTGTTTAAAAATAAGACAAATGAGGAATTCAGAATTGGTTCCTT[G>C]AGAAATATGATGCAGCTATGTACACGTTGCTTGAGCAACTGTACCAAGGTAAGATTTTCT-3'
Protein context (NP_000042.3, residues 766-786): KTNEEFRIGS[Leu776Phe]RNMMQLCTRC

ClinVar aggregate classification (germline): Uncertain significance (1 of 4 stars; one submission).

Conditions:
Ataxia-telangiectasia syndrome (AT). Also called: ATAXIA-TELANGIECTASIA, COMPLEMENTATION GROUP A; ATAXIA-TELANGIECTASIA, FRESNO VARIANT; LOUIS-BAR SYNDROME; Ataxia-telangiectasia, complementation group D; Ataxia-telangiectasia, complementation group E; Cerebello-oculocutaneous telangiectasia. Identifiers: Orphanet 100, MedGen C0004135, MONDO:0008840, OMIM 208900.

Submission:

Labcorp Genetics (formerly Invitae), Labcorp
Classification: Uncertain significance for Ataxia-telangiectasia syndrome. Last evaluated: 2024-03-21. Review status: criteria provided, single submitter. Criteria: Invitae Variant Classification Sherloc (09022015). Collection method: clinical testing. Allele origin: germline.
Comment: This sequence change replaces leucine, which is neutral and non-polar, with phenylalanine, which is neutral and non-polar, at codon 776 of the ATM protein (p.Leu776Phe). This variant is not present in population databases (gnomAD no frequency). This variant has not been reported in the literature in individuals affected with ATM-related conditions. An algorithm developed to predict the effect of missense changes on protein structure and function (PolyPhen-2) suggests that this variant is likely to be disruptive. In summary, the available evidence is currently insufficient to determine the role of this variant in disease. Therefore, it has been classified as a Variant of Uncertain Significance.